The following is an entry in ClinVar:

ClinVar aggregate classification (germline): Uncertain significance (1 of 4 stars; one submission).

Conditions:
Early-infantile DEE. Also called: Ohtahara syndrome; Early infantile epileptic encephalopathy with suppression bursts; Early infantile epileptic encephalopathy. Identifiers: Orphanet 1934, MedGen C0393706, MONDO:0800491.

Submission:

Labcorp Genetics (formerly Invitae), Labcorp
Classification: Uncertain significance for Early-infantile DEE. Last evaluated: 2019-12-27. Review status: criteria provided, single submitter. Criteria: Invitae Variant Classification Sherloc (09022015). Collection method: clinical testing. Allele origin: germline.
Comment: In summary, the available evidence is currently insufficient to determine the role of this variant in disease. Therefore, it has been classified as a Variant of Uncertain Significance. Algorithms developed to predict the effect of missense changes on protein structure and function (SIFT, PolyPhen-2, Align-GVGD) all suggest that this variant is likely to be disruptive, but these predictions have not been confirmed by published functional studies and their clinical significance is uncertain. This variant has not been reported in the literature in individuals with SCN1A-related conditions. This variant is not present in population databases (ExAC no frequency). This sequence change replaces proline with alanine at codon 791 of the SCN1A protein (p.Pro791Ala). The proline residue is highly conserved and there is a small physicochemical difference between proline and alanine.

NM_001165963.4(SCN1A):c.2371C>G (p.Pro791Ala)

Gene: SCN1A (sodium voltage-gated channel alpha subunit 1; minus strand). Cytogenetic location: 2q24.3.
Variant type: single nucleotide variant.
Coding change: c.2371C>G on transcript NM_001165963.4 (MANE Select); coding-DNA position 2371, C replaced by G.
Protein change: p.Pro791Ala; replaces proline 791 with alanine.
Molecular consequence: missense variant. On other transcripts: 5 prime UTR variant (1), non-coding transcript variant (1).
Genome position (GRCh38, 1-based): chr2:166,041,275, G>C on the plus strand (C>G on the coding strand, the complement: SCN1A is on the minus strand). VCF-style: chr2-166041275-G-C. GRCh37 (hg19) VCF-style: chr2-166897785-G-C.
Other names: c.2287C>G, p.Pro763Ala (NM_001165964.3, NM_001353957.2, NM_001353958.2); c.2371C>G, p.Pro791Ala (NM_001202435.3, NM_001353948.2); c.2338C>G, p.Pro780Ala (NM_001353949.2, NM_001353950.2, NM_001353951.2 and 2 more transcripts); c.2335C>G, p.Pro779Ala (NM_001353954.2, NM_001353955.2); c.2284C>G, p.Pro762Ala (NM_001353960.2); c.-88C>G (NM_001353961.2); short protein forms P791A, P763A, P779A, P780A, P762A.
Identifiers: ClinVar variation 844058 (VCV000844058.11), dbSNP rs1697132427, ClinGen allele CA349063918.
Genomic context (GRCh38, chr2:166,041,275, plus strand): 5'-CTTCCAATATGCTTACCAAGTTTCCTACTGTAAGCACATTATTGAAATGGTCCGTCATTG[G>C]ATAGTGCTCCATGGCCATGAAAAGAGTATTTAAGACAATACAGATGGTGATGGCCAGGTC-3'
Protein context (NP_001159435.1, residues 781-801): NTLFMAMEHY[Pro791Ala]MTDHFNNVLT